The following is an entry in ClinVar:

NM_201384.3(PLEC):c.10780G>A (p.Asp3594Asn)

Gene: PLEC (plectin; minus strand). Cytogenetic location: 8q24.3.
Variant type: single nucleotide variant.
Coding change: c.10780G>A on transcript NM_201384.3 (MANE Select); coding-DNA position 10780, G replaced by A.
Protein change: p.Asp3594Asn; replaces aspartic acid 3594 with asparagine.
Molecular consequence: missense variant.
Genome position (GRCh38, 1-based): chr8:143,919,041, C>T on the plus strand (G>A on the coding strand, the complement: PLEC is on the minus strand). VCF-style: chr8-143919041-C-T. GRCh37 (hg19) VCF-style: chr8-144993209-C-T.
Other names: p.Asp3621Asn; c.10684G>A, p.Asp3562Asn (NM_201381.3); c.10780G>A, p.Asp3594Asn (NM_201382.4); c.10792G>A, p.Asp3598Asn (NM_201383.3); c.10861G>A, p.Asp3621Asn (NM_000445.5); c.7480G>A, p.Asp2494Asn (NM_001410941.1); c.10738G>A, p.Asp3580Asn (NM_201378.4); c.10714G>A, p.Asp3572Asn (NM_201379.3); and 1 more; short protein forms D2494N, D3562N, D3572N, D3580N, D3594N, D3598N, D3621N, D3731N.
Identifiers: ClinVar variation 3379838 (VCV003379838.3).

ClinVar aggregate classification (germline): Uncertain significance. Review status: criteria provided, multiple submitters, no conflicts (2 of 4 stars). 2 submissions from 2 submitters: Uncertain significance (2). Last evaluated 2025-02-20.

Conditions:
Epidermolysis bullosa simplex 5B, with muscular dystrophy (EBS5B). Also called: Epidermolysis bullosa simplex with muscular dystrophy; EPIDERMOLYSIS BULLOSA SIMPLEX AND LIMB-GIRDLE MUSCULAR DYSTROPHY. Identifiers: Orphanet 257, MedGen C2931072, MONDO:0009181, OMIM 226670.
Epidermolysis bullosa simplex 5C, with pyloric atresia (EBS5C). Also called: Epidermolysis bullosa simplex with pyloric atresia; PLEC-Related Epidermolysis Bullosa with Pyloric Atresia; PLEC1-Related Epidermolysis Bullosa with Pyloric Atresia. Identifiers: Orphanet 158684, MedGen C2677349, MONDO:0012807, OMIM 612138.
Epidermolysis bullosa simplex, Ogna type (EBS5A). Also called: EPIDERMOLYSIS BULLOSA SIMPLEX 5A, OGNA TYPE; Pidermolysis bullosa simplex 5A, Ogna type. Identifiers: Orphanet 79401, MedGen C0432317, MONDO:0007555, OMIM 131950.
Autosomal recessive limb-girdle muscular dystrophy type 2Q (LGMDR17). Also called: MUSCULAR DYSTROPHY, LIMB-GIRDLE, AUTOSOMAL RECESSIVE 17. Identifiers: Orphanet 254361, MedGen C3150989, MONDO:0013390, OMIM 613723.
Epidermolysis bullosa simplex with nail dystrophy (EBS5D). Identifiers: MedGen C4225309, MONDO:0014661, OMIM 616487.

gnomAD v4.1: 21 of 1,611,266 alleles (0.0013%); highest among the groups gnomAD compares: Non-Finnish European, 0.0017%; no homozygotes.

Submissions (2):

Labcorp Genetics (formerly Invitae), Labcorp
Classification: Uncertain significance for Autosomal recessive limb-girdle muscular dystrophy type 2Q; Epidermolysis bullosa simplex, Ogna type; Epidermolysis bullosa simplex with nail dystrophy; Epidermolysis bullosa simplex 5C, with pyloric atresia; Epidermolysis bullosa simplex 5B, with muscular dystrophy. Last evaluated: 2025-02-20. Review status: criteria provided, single submitter. Criteria: Invitae Variant Classification Sherloc (09022015). Collection method: clinical testing. Allele origin: germline.
Comment: This sequence change replaces aspartic acid, which is acidic and polar, with asparagine, which is neutral and polar, at codon 3621 of the PLEC protein (p.Asp3621Asn). This variant is present in population databases (rs373272207, gnomAD no frequency). This variant has not been reported in the literature in individuals affected with PLEC-related conditions. ClinVar contains an entry for this variant (Variation ID: 3379838). An algorithm developed to predict the effect of missense changes on protein structure and function outputs the following: PolyPhen-2: "Benign". The asparagine amino acid residue is found in multiple mammalian species, which suggests that this missense change does not adversely affect protein function. In summary, the available evidence is currently insufficient to determine the role of this variant in disease. Therefore, it has been classified as a Variant of Uncertain Significance.

Mayo Clinic Laboratories, Mayo Clinic
Classification: Uncertain significance. Last evaluated: 2023-09-27. Review status: criteria provided, single submitter. Criteria: ACMG Guidelines, 2015. Collection method: clinical testing. Allele origin: germline. Observed: 2 variant alleles.
Comment: BP4